The following is an entry in ClinVar:

ClinVar aggregate classification (germline): Conflicting classifications of pathogenicity. Review status: criteria provided, conflicting classifications (1 of 4 stars). 7 submissions from 7 submitters: Uncertain significance (6); Likely benign (1). Last evaluated 2026-01-27.

Conditions:
Familial adenomatous polyposis 1 (FAP1). Also called: FAMILIAL ADENOMATOUS POLYPOSIS 1, ATTENUATED; POLYPOSIS, ADENOMATOUS INTESTINAL. Identifiers: MedGen C2713442, MONDO:0021056, OMIM 175100. Disease mechanism: loss of function.
Hereditary cancer-predisposing syndrome. Also called: Tumor predisposition; Hereditary Cancer Syndrome; Hereditary neoplastic syndrome; Neoplastic Syndromes, Hereditary. Identifiers: Orphanet 140162, MedGen C0027672, MeSH D009386, MONDO:0015356.

Allele frequency attached by ClinVar (database versions not stated): gnomAD exomes below 0.00001 and 0.00001; gnomAD 0.00001.
gnomAD v4.1: 12 of 1,612,718 alleles (0.00074%); highest among the groups gnomAD compares: Non-Finnish European, 0.001%; no homozygotes.

Submissions (7):

Labcorp Genetics (formerly Invitae), Labcorp
Classification: Uncertain significance for Familial adenomatous polyposis 1. Last evaluated: 2026-01-27. Review status: criteria provided, single submitter. Criteria: Invitae Variant Classification Sherloc (09022015). Collection method: clinical testing. Allele origin: germline.
Comment: This sequence change replaces leucine, which is neutral and non-polar, with valine, which is neutral and non-polar, at codon 548 of the APC protein (p.Leu548Val). This variant is present in population databases (no rsID available, gnomAD 0.0009%). This variant has not been reported in the literature in individuals affected with APC-related conditions. ClinVar contains an entry for this variant (Variation ID: 411557). Invitae Evidence Modeling of protein sequence and biophysical properties (such as structural, functional, and spatial information, amino acid conservation, physicochemical variation, residue mobility, and thermodynamic stability) indicates that this missense variant is not expected to disrupt APC protein function with a negative predictive value of 95%. In summary, the available evidence is currently insufficient to determine the role of this variant in disease. Therefore, it has been classified as a Variant of Uncertain Significance.

Ambry Genetics
Classification: Uncertain significance for Hereditary cancer-predisposing syndrome. Last evaluated: 2025-11-18. Review status: criteria provided, single submitter. Criteria: Ambry Variant Classification Scheme 2023. Collection method: clinical testing. Allele origin: germline.
Comment: The p.L548V variant (also known as c.1642T>G), located in coding exon 13 of the APC gene, results from a T to G substitution at nucleotide position 1642. The leucine at codon 548 is replaced by valine, an amino acid with highly similar properties. This amino acid position is highly conserved in available vertebrate species. In addition, in silico predictors for this gene do not accurately predict pathogenicity. Missense variants in APC are not a common cause of disease (Spier I et al. Genet Med. 2024 Feb;26(2):100992). Based on the available evidence, the clinical significance of this variant remains unclear.

Baylor Genetics
Classification: Uncertain significance for Familial adenomatous polyposis 1. Last evaluated: 2024-03-25. Review status: criteria provided, single submitter. Criteria: ACMG Guidelines, 2015. Collection method: clinical testing. Allele origin: unknown.

Myriad Genetics, Inc.
Classification: Likely benign for Familial adenomatous polyposis 1. Last evaluated: 2024-03-06. Review status: criteria provided, single submitter. Criteria: Myriad Autosomal Dominant, Autosomal Recessive and X-Linked Classification Criteria (2023). Collection method: clinical testing. Allele origin: unknown.
Comment: This variant is considered likely benign. This variant has been observed at a population frequency that is significantly greater than expected given the associated disease prevalence and penetrance.

St. Jude Molecular Pathology, St. Jude Children's Research Hospital
Classification: Uncertain significance for Familial adenomatous polyposis 1. Last evaluated: 2024-01-13. Review status: criteria provided, single submitter. Criteria: St. Jude Assertion Criteria 2020. Collection method: clinical testing. Allele origin: germline.
Comment: The APC c.1642T>G (p.Leu548Val) missense change has a maximum subpopulation frequency of 0.0008% in gnomAD v2.1.1. The in silico tool REVEL is inconclusive about a pathogenic or benign effect of this variant on protein function, and functional studies have not been performed. This variant has not been reported in the literature in individuals with APC-related disease. In summary, the evidence currently available is insufficient to determine the clinical significance of this variant. It has therefore been classified as of uncertain significance.?

Color Diagnostics, LLC DBA Color Health
Classification: Uncertain significance for Hereditary cancer-predisposing syndrome. Last evaluated: 2023-11-20. Review status: criteria provided, single submitter. Criteria: ACMG Guidelines, 2015. Collection method: clinical testing. Allele origin: germline.
Comment: This missense variant replaces leucine with valine at codon 548 of the APC protein. Computational prediction is inconclusive regarding the impact of this variant on protein structure and function (internally defined REVEL score threshold 0.5 < inconclusive < 0.7, PMID: 27666373). To our knowledge, functional studies have not been reported for this variant. This variant has not been reported in individuals affected with APC-related disorders in the literature. This variant has been identified in 1/251176 chromosomes in the general population by the Genome Aggregation Database (gnomAD). The available evidence is insufficient to determine the role of this variant in disease conclusively. Therefore, this variant is classified as a Variant of Uncertain Significance.

GeneDx
Classification: Uncertain significance. Last evaluated: 2023-11-10. Review status: criteria provided, single submitter. Criteria: GeneDx Variant Classification Process June 2021. Collection method: clinical testing. Allele origin: germline. Affected: yes.
Comment: Not observed at significant frequency in large population cohorts (gnomAD); In silico analysis supports that this missense variant has a deleterious effect on protein structure/function; Identified in an individual with malignant mesothelioma and family history of colorectal cancer (PMID: 34008015); This variant is associated with the following publications: (PMID: 18199528, 34008015)

NM_000038.6(APC):c.1642T>G (p.Leu548Val)

Gene: APC (APC regulator of Wnt signaling pathway; plus strand). Cytogenetic location: 5q22.2.
Variant type: single nucleotide variant.
Coding change: c.1642T>G on transcript NM_000038.6 (MANE Select); coding-DNA position 1642, T replaced by G.
Protein change: p.Leu548Val; replaces leucine 548 with valine.
Molecular consequence: missense variant.
Genome position (GRCh38, 1-based): chr5:112,828,871, T>G. VCF-style: chr5-112828871-T-G. GRCh37 (hg19) VCF-style: chr5-112164568-T-G.
Other names: c.1642T>G, p.Leu548Val (NM_001127510.3, NM_001354895.2); c.1588T>G, p.Leu530Val (NM_001127511.3); c.1696T>G, p.Leu566Val (NM_001354896.2); c.1672T>G, p.Leu558Val (NM_001354897.2); c.1567T>G, p.Leu523Val (NM_001354898.2); c.1558T>G, p.Leu520Val (NM_001354899.2); c.1519T>G, p.Leu507Val (NM_001354900.2); c.1465T>G, p.Leu489Val (NM_001354901.2); and 5 more; short protein forms L530V, L548V, L388V, L422V, L457V, L507V, L558V, L265V.
Identifiers: ClinVar variation 411557 (VCV000411557.28), dbSNP rs1060503373, ClinGen allele CA16024895.